The following is an entry in ClinVar:

NM_004369.4(COL6A3):c.5138G>A (p.Gly1713Glu)

Gene: COL6A3 (collagen type VI alpha 3 chain; minus strand). Cytogenetic location: 2q37.3.
Variant type: single nucleotide variant.
Coding change: c.5138G>A on transcript NM_004369.4 (MANE Select); coding-DNA position 5138, G replaced by A.
Protein change: p.Gly1713Glu; replaces glycine 1713 with glutamic acid.
Molecular consequence: missense variant.
Genome position (GRCh38, 1-based): chr2:237,367,049, C>T on the plus strand (G>A on the coding strand, the complement: COL6A3 is on the minus strand). VCF-style: chr2-237367049-C-T. GRCh37 (hg19) VCF-style: chr2-238275692-C-T.
Other names: c.3317G>A, p.Gly1106Glu (NM_057166.5); c.4520G>A, p.Gly1507Glu (NM_057167.4); short protein forms G1106E, G1507E, G1713E.
Identifiers: ClinVar variation 1028740 (VCV001028740.14), dbSNP rs779425587, ClinGen allele CA2188736.
Genomic context (GRCh38, chr2:237,367,049, plus strand): 5'-GGCACAAAGTGGTTTACCCGCAGGTGCTCAAGGCCCACCTTAGTGTTGGCGTGTCTTCCC[C>T]CTTTGTAGACCACTTTGTTGATGGCGTCAATAATCTGCCTCTTGGTAGAGAAGTCCTTCA-3'
Protein context (NP_004360.2, residues 1703-1723): IDAINKVVYK[Gly1713Glu]GRHANTKVGL

ClinVar aggregate classification (germline): Uncertain significance. Review status: criteria provided, multiple submitters, no conflicts (2 of 4 stars). 4 submissions from 4 submitters: Uncertain significance (4). Last evaluated 2025-02-17.

Conditions:
Bethlem myopathy 1A. Also called: Bethlem Muscular Dystrophy; MYOPATHY, BENIGN CONGENITAL, WITH CONTRACTURES; Bethlem myopathy 1. Identifiers: Orphanet 610, MedGen CN029274, MONDO:0024530, OMIM 158810.

Allele frequency attached by ClinVar (database versions not stated): gnomAD 0.00001; gnomAD exomes 0.00001; ExAC 0.00002.
gnomAD v4.1: 11 of 1,614,222 alleles (0.00068%); highest among the groups gnomAD compares: Middle Eastern, 0.049%; no homozygotes.

Submissions (4):

Labcorp Genetics (formerly Invitae), Labcorp
Classification: Uncertain significance for Bethlem myopathy 1A. Last evaluated: 2025-02-17. Review status: criteria provided, single submitter. Criteria: Invitae Variant Classification Sherloc (09022015). Collection method: clinical testing. Allele origin: germline.
Comment: This sequence change replaces glycine, which is neutral and non-polar, with glutamic acid, which is acidic and polar, at codon 1713 of the COL6A3 protein (p.Gly1713Glu). This variant is present in population databases (rs779425587, gnomAD 0.003%). This variant has not been reported in the literature in individuals affected with COL6A3-related conditions. ClinVar contains an entry for this variant (Variation ID: 1028740). Invitae Evidence Modeling of protein sequence and biophysical properties (such as structural, functional, and spatial information, amino acid conservation, physicochemical variation, residue mobility, and thermodynamic stability) indicates that this missense variant is expected to disrupt COL6A3 protein function with a positive predictive value of 80%. In summary, the available evidence is currently insufficient to determine the role of this variant in disease. Therefore, it has been classified as a Variant of Uncertain Significance.

Revvity Omics, Revvity
Classification: Uncertain significance. Last evaluated: 2022-08-30. Review status: criteria provided, single submitter. Criteria: ACMG Guidelines, 2015. Collection method: clinical testing. Allele origin: germline.

Baylor Genetics
Classification: Uncertain significance for Bethlem myopathy 1A. Last evaluated: 2020-06-16. Review status: criteria provided, single submitter. Criteria: ACMG Guidelines, 2015. Collection method: clinical testing. Allele origin: unknown. Affected: yes.
Comment: This variant was determined to be of uncertain significance according to ACMG Guidelines, 2015 [PMID:25741868].

Mayo Clinic Laboratories, Mayo Clinic
Classification: Uncertain significance. Last evaluated: 2019-06-17. Review status: criteria provided, single submitter. Criteria: ACMG Guidelines, 2015. Collection method: clinical testing. Allele origin: germline. Observed: 2 variant alleles.